The following is an entry in ClinVar:

NM_020779.4(WDR35):c.1798A>G (p.Met600Val)

Gene: WDR35 (WD repeat domain 35; minus strand). Cytogenetic location: 2p24.1.
Variant type: single nucleotide variant.
Coding change: c.1798A>G on transcript NM_020779.4 (MANE Select); coding-DNA position 1798, A replaced by G.
Protein change: p.Met600Val; replaces methionine 600 with valine.
Molecular consequence: missense variant.
Genome position (GRCh38, 1-based): chr2:19,945,833, T>C on the plus strand (A>G on the coding strand, the complement: WDR35 is on the minus strand). VCF-style: chr2-19945833-T-C. GRCh37 (hg19) VCF-style: chr2-20145594-T-C.
Other names: c.1831A>G (NM_001006657.1); c.1831A>G, p.Met611Val (NM_001006657.2); short protein forms M611V, M600V.
Identifiers: ClinVar variation 1354250 (VCV001354250.5), dbSNP rs751974091, ClinGen allele CA1543115.

ClinVar aggregate classification (germline): Uncertain significance. Review status: criteria provided, multiple submitters, no conflicts (2 of 4 stars). 3 submissions from 3 submitters: Uncertain significance (3). Last evaluated 2024-11-01.

Conditions:
Cranioectodermal dysplasia 2 (CED2). Identifiers: Orphanet 1515, MedGen C3150874, MONDO:0013323, OMIM 613610.
Short-rib thoracic dysplasia 7 with or without polydactyly (SRTD7). Also called: Short rib polydactyly syndrome 5; SHORT-RIB THORACIC DYSPLASIA 7 WITH POLYDACTYLY. Identifiers: Orphanet 498497, Orphanet 93271, MedGen C3279792, MONDO:0013569, OMIM 614091.

Allele frequency attached by ClinVar (database versions not stated): gnomAD 0.00002 and 0.00003; gnomAD exomes 0.00002 and 0.00003; ExAC 0.00003; TOPMed 0.00003.
gnomAD v4.1: 32 of 1,614,010 alleles (0.002%); highest among the groups gnomAD compares: East Asian, 0.0067%; no homozygotes.

Submissions (3):

GeneDx
Classification: Uncertain significance. Last evaluated: 2024-11-01. Review status: criteria provided, single submitter. Criteria: GeneDx Variant Classification Process June 2021. Collection method: clinical testing. Allele origin: germline. Affected: yes.
Comment: In silico analysis indicates that this missense variant does not alter protein structure/function; Has not been previously published as pathogenic or benign to our knowledge

Fulgent Genetics
Classification: Uncertain significance for Cranioectodermal dysplasia 2; Short-rib thoracic dysplasia 7 with or without polydactyly. Last evaluated: 2024-05-14. Review status: criteria provided, single submitter. Criteria: ACMG Guidelines, 2015. Collection method: clinical testing. Allele origin: germline.

Labcorp Genetics (formerly Invitae), Labcorp
Classification: Uncertain significance for Cranioectodermal dysplasia 2; Short-rib thoracic dysplasia 7 with or without polydactyly. Last evaluated: 2022-08-16. Review status: criteria provided, single submitter. Criteria: Invitae Variant Classification Sherloc (09022015). Collection method: clinical testing. Allele origin: germline.
Comment: This sequence change replaces methionine, which is neutral and non-polar, with valine, which is neutral and non-polar, at codon 611 of the WDR35 protein (p.Met611Val). This variant is present in population databases (rs751974091, gnomAD 0.02%). This variant has not been reported in the literature in individuals affected with WDR35-related conditions. ClinVar contains an entry for this variant (Variation ID: 1354250). Algorithms developed to predict the effect of missense changes on protein structure and function output the following: SIFT: "Tolerated"; PolyPhen-2: "Benign"; Align-GVGD: "Class C0". The valine amino acid residue is found in multiple mammalian species, which suggests that this missense change does not adversely affect protein function. Algorithms developed to predict the effect of sequence changes on RNA splicing suggest that this variant may create or strengthen a splice site. In summary, the available evidence is currently insufficient to determine the role of this variant in disease. Therefore, it has been classified as a Variant of Uncertain Significance.